The following is an entry in ClinVar:

NM_001267550.2(TTN):c.51648del (p.Glu17217fs)

Genes: TTN (titin; minus strand), TTN-AS1 (TTN antisense RNA 1; plus strand). Cytogenetic location: 2q31.2.
Variant type: Deletion.
Coding change: c.51648del on transcript NM_001267550.2 (MANE Select); coding-DNA position 51648, one base deleted (A; older notation c.51648delA).
Protein change: p.Glu17217fs; shifts the reading frame from glutamic acid 17217.
Molecular consequence: frameshift variant.
Genome position (GRCh38, 1-based): chr2:178,609,775, T deleted on the plus strand (A on the coding strand, the reverse complement: TTN is on the minus strand); the first of 3 consecutive T bases (chr2:178,609,775-178,609,777); deleting any one gives the same sequence. VCF-style (leftmost placement, unchanged base first): chr2-178609774-CT-C. GRCh37 (hg19) VCF-style: chr2-179474501-CT-C.
Other names: c.46725del, p.Glu15576fs (NM_001256850.1); c.24453del, p.Glu8152fs (NM_003319.4); c.43944del, p.Glu14649fs (NM_133378.4); c.24828del, p.Glu8277fs (NM_133432.3); c.25029del, p.Glu8344fs (NM_133437.4); c.51648delA (NM_001267550.2); short protein forms E8152fs, E14649fs, E8344fs, E15576fs, E8277fs, E17217fs.
Identifiers: ClinVar variation 534975 (VCV000534975.9), dbSNP rs1553692140, ClinGen allele CA658795992.

ClinVar aggregate classification (germline): Likely pathogenic (1 of 4 stars; one submission).

Conditions:
Autosomal recessive limb-girdle muscular dystrophy type 2J (LGMDR10). Also called: Limb-girdle muscular dystrophy, type 2J; MUSCULAR DYSTROPHY, LIMB-GIRDLE, AUTOSOMAL RECESSIVE 10. Identifiers: Orphanet 140922, MedGen C1837342, MONDO:0012127, OMIM 608807.
Dilated cardiomyopathy 1G (CMD1G). Identifiers: Orphanet 154, MedGen C1858763, MONDO:0011400, OMIM 604145.

Submission:

Labcorp Genetics (formerly Invitae), Labcorp
Classification: Likely pathogenic for Dilated cardiomyopathy 1G; Autosomal recessive limb-girdle muscular dystrophy type 2J. Last evaluated: 2025-02-05. Review status: criteria provided, single submitter. Criteria: Invitae Variant Classification Sherloc (09022015). Collection method: clinical testing. Allele origin: germline.
Comment: This sequence change creates a premature translational stop signal (p.Glu17217Serfs*27) in the TTN gene. While this is not anticipated to result in nonsense mediated decay, it is expected to create a truncated TTN protein. This variant is not present in population databases (gnomAD no frequency). This variant has not been reported in the literature in individuals affected with TTN-related conditions. ClinVar contains an entry for this variant (Variation ID: 534975). This variant is located in the A band of TTN (PMID: 25589632). Truncating variants in this region are significantly overrepresented in patients affected with dilated cardiomyopathy (PMID: 25589632). Truncating variants in this region have also been reported in individuals affected with autosomal recessive centronuclear myopathy (PMID: 23975875). In summary, the currently available evidence indicates that the variant is pathogenic, but additional data are needed to prove that conclusively. Therefore, this variant has been classified as Likely Pathogenic.

Literature cited by the submitters: PubMed 25589632; PubMed 23975875.